The following is an entry in ClinVar:

NM_016580.4(PCDH12):c.1126G>C (p.Val376Leu)

Genes: PCDH12 (protocadherin 12; minus strand), RNF14 (ring finger protein 14; plus strand). Cytogenetic location: 5q31.3.
Variant type: single nucleotide variant.
Coding change: c.1126G>C on transcript NM_016580.4 (MANE Select); coding-DNA position 1126, G replaced by C.
Protein change: p.Val376Leu; replaces valine 376 with leucine.
Molecular consequence: missense variant.
Genome position (GRCh38, 1-based): chr5:141,956,726, C>G on the plus strand (G>C on the coding strand, the complement: PCDH12 is on the minus strand). VCF-style: chr5-141956726-C-G. GRCh37 (hg19) VCF-style: chr5-141336291-C-G.
Other names: c.1126G>C (NM_016580.2); short protein forms V376L.
Identifiers: ClinVar variation 1439529 (VCV001439529.7), dbSNP rs1344025293, ClinGen allele CA3484453.
Genomic context (GRCh38, chr5:141,956,726, plus strand): 5'-CTTGGCTCAGCCAGCAGTGGACCAAACCATTGTGTCCTGAATCCAAGTCATCTGCCATGA[C>G]AAGAGCAATAAAACTGTCCTTGGGAAGAGCTTCTGACACCAGTGATGGCTGGGAGGCCCA-3'
Protein context (NP_057664.1, residues 366-386): ALPKDSFIAL[Val376Leu]MADDLDSGHN

ClinVar aggregate classification (germline): Uncertain significance. Review status: criteria provided, multiple submitters, no conflicts (2 of 4 stars). 2 submissions from 2 submitters: Uncertain significance (2). Last evaluated 2024-07-14.

Conditions:
Inborn genetic diseases. Identifiers: MedGen C0950123, MeSH D030342.

Allele frequency attached by ClinVar (database versions not stated): ExAC 0.00001; gnomAD exomes 0.00001; gnomAD 0.00003 and 0.00005; TOPMed 0.00003.
gnomAD v4.1: 20 of 1,614,146 alleles (0.0012%); highest among the groups gnomAD compares: African/African-American, 0.027%; no homozygotes.

Submissions (2):

Ambry Genetics
Classification: Uncertain significance for Inborn genetic diseases. Last evaluated: 2024-07-14. Review status: criteria provided, single submitter. Criteria: Ambry Variant Classification Scheme 2023. Collection method: clinical testing. Allele origin: germline.

Labcorp Genetics (formerly Invitae), Labcorp
Classification: Uncertain significance. Last evaluated: 2022-10-24. Review status: criteria provided, single submitter. Criteria: Invitae Variant Classification Sherloc (09022015). Collection method: clinical testing. Allele origin: germline.
Comment: This sequence change replaces valine, which is neutral and non-polar, with leucine, which is neutral and non-polar, at codon 376 of the PCDH12 protein (p.Val376Leu). This variant is present in population databases (no rsID available, gnomAD 0.02%). This variant has not been reported in the literature in individuals affected with PCDH12-related conditions. ClinVar contains an entry for this variant (Variation ID: 1439529). Advanced modeling of protein sequence and biophysical properties (such as structural, functional, and spatial information, amino acid conservation, physicochemical variation, residue mobility, and thermodynamic stability) performed at Invitae indicates that this missense variant is not expected to disrupt PCDH12 protein function. In summary, the available evidence is currently insufficient to determine the role of this variant in disease. Therefore, it has been classified as a Variant of Uncertain Significance.